The following is an entry in ClinVar:

ClinVar aggregate classification (germline): Uncertain significance. Review status: criteria provided, multiple submitters, no conflicts (2 of 4 stars). 2 submissions from 2 submitters: Uncertain significance (2). Last evaluated 2022-03-17.

Conditions:
Neuropathy, hereditary sensory and autonomic, type 2A (HSAN2A). Also called: ACROOSTEOLYSIS, GIACCAI TYPE; ACROOSTEOLYSIS, NEUROGENIC; MORVAN DISEASE; NEUROPATHY, CONGENITAL SENSORY; NEUROPATHY, HEREDITARY SENSORY RADICULAR, AUTOSOMAL RECESSIVE; NEUROPATHY, HEREDITARY SENSORY, TYPE IIA. Identifiers: Orphanet 970, MedGen C2752089, MONDO:0024309, OMIM 201300.
Pseudohypoaldosteronism type 2C (PHA2C). Also called: Pseudohypoaldosteronism Type IIC. Identifiers: Orphanet 757, Orphanet 88940, MedGen C1840391, MONDO:0013778, OMIM 614492.
Inborn genetic diseases. Identifiers: MedGen C0950123, MeSH D030342.

Allele frequency attached by ClinVar (database versions not stated): gnomAD exomes below 0.00001; ExAC 0.00001; gnomAD 0.00001.
gnomAD v4.1: 2 of 1,391,326 alleles (0.00014%); highest among the groups gnomAD compares: Non-Finnish European, 0.000096%; no homozygotes.

Submissions (2):

Labcorp Genetics (formerly Invitae), Labcorp
Classification: Uncertain significance for Neuropathy, hereditary sensory and autonomic, type 2A; Pseudohypoaldosteronism type 2C. Last evaluated: 2022-03-17. Review status: criteria provided, single submitter. Criteria: Invitae Variant Classification Sherloc (09022015). Collection method: clinical testing. Allele origin: germline.
Comment: In summary, the available evidence is currently insufficient to determine the role of this variant in disease. Therefore, it has been classified as a Variant of Uncertain Significance. Algorithms developed to predict the effect of missense changes on protein structure and function are either unavailable or do not agree on the potential impact of this missense change (SIFT: "Deleterious"; PolyPhen-2: "Not Available"; Align-GVGD: "Class C0"). This variant has not been reported in the literature in individuals affected with WNK1-related conditions. This variant is present in population databases (rs760116094, gnomAD 0.004%). This sequence change replaces glycine, which is neutral and non-polar, with aspartic acid, which is acidic and polar, at codon 2628 of the WNK1 protein (p.Gly2628Asp).

Ambry Genetics
Classification: Uncertain significance for Inborn genetic diseases. Last evaluated: 2021-05-05. Review status: criteria provided, single submitter. Criteria: Ambry Variant Classification Scheme 2023. Collection method: clinical testing. Allele origin: germline.
Comment: The p.G2628D variant (also known as c.7883G>A), located in coding exon 28 of the WNK1 gene, results from a G to A substitution at nucleotide position 7883. The glycine at codon 2628 is replaced by aspartic acid, an amino acid with similar properties. This amino acid position is highly conserved in available vertebrate species. In addition, this alteration is predicted to be deleterious by in silico analysis. Since supporting evidence is limited at this time, the clinical significance of this alteration remains unclear.

NM_018979.4(WNK1):c.7127G>A (p.Gly2376Asp)

Gene: WNK1 (WNK lysine deficient protein kinase 1; plus strand). Cytogenetic location: 12p13.33.
Variant type: single nucleotide variant.
Coding change: c.7127G>A on transcript NM_018979.4 (MANE Select); coding-DNA position 7127, G replaced by A.
Protein change: p.Gly2376Asp; replaces glycine 2376 with aspartic acid.
Molecular consequence: missense variant.
Genome position (GRCh38, 1-based): chr12:908,770, G>A. VCF-style: chr12-908770-G-A. GRCh37 (hg19) VCF-style: chr12-1017936-G-A.
Other names: c.7907G>A, p.Gly2636Asp (NM_001184985.2); c.6383G>A, p.Gly2128Asp (NM_014823.3); c.7883G>A, p.Gly2628Asp (NM_213655.5); short protein forms G2128D, G2628D, G2376D, G2636D.
Identifiers: ClinVar variation 1428160 (VCV001428160.8), dbSNP rs760116094, ClinGen allele CA6383567.